The following is an entry in ClinVar:

NM_001256715.2(DNAAF3):c.491G>A (p.Arg164Gln)

Genes: DNAAF3 (dynein axonemal assembly factor 3; minus strand), DNAAF3-AS1 (DNAAF3 antisense RNA 1; plus strand). Cytogenetic location: 19q13.42.
Variant type: single nucleotide variant.
Coding change: c.491G>A on transcript NM_001256715.2 (MANE Select); coding-DNA position 491, G replaced by A.
Protein change: p.Arg164Gln; replaces arginine 164 with glutamine.
Molecular consequence: missense variant.
Genome position (GRCh38, 1-based): chr19:55,161,815, C>T on the plus strand (G>A on the coding strand, the complement: DNAAF3 is on the minus strand). VCF-style: chr19-55161815-C-T. GRCh37 (hg19) VCF-style: chr19-55673183-C-T.
Other names: c.695G>A, p.Arg232Gln (NM_001256714.1); c.329G>A, p.Arg110Gln (NM_001256716.2); c.632G>A, p.Arg211Gln (NM_178837.4); short protein forms R164Q, R232Q, R110Q, R211Q.
Identifiers: ClinVar variation 1368082 (VCV001368082.8), dbSNP rs771839338, ClinGen allele CA9668135.

ClinVar aggregate classification (germline): Uncertain significance. Review status: criteria provided, multiple submitters, no conflicts (2 of 4 stars). 3 submissions from 3 submitters: Uncertain significance (3). Last evaluated 2024-10-09.

Conditions:
Primary ciliary dyskinesia. Also called: Ciliary dyskinesia. Identifiers: Orphanet 244, MedGen C0008780, MONDO:0016575, HP:0012265.

Allele frequency attached by ClinVar (database versions not stated): gnomAD 0.00001.
gnomAD v4.1: 18 of 1,439,680 alleles (0.0013%); highest among the groups gnomAD compares: East Asian, 0.016%; no homozygotes.

Submissions (3):

Blueprint Genetics
Classification: Uncertain significance. Last evaluated: 2024-10-09. Review status: criteria provided, single submitter. Criteria: ACMG Guidelines, 2015. Collection method: clinical testing. Allele origin: germline.

Labcorp Genetics (formerly Invitae), Labcorp
Classification: Uncertain significance for Primary ciliary dyskinesia. Last evaluated: 2023-10-13. Review status: criteria provided, single submitter. Criteria: Invitae Variant Classification Sherloc (09022015). Collection method: clinical testing. Allele origin: germline.
Comment: This sequence change replaces arginine, which is basic and polar, with glutamine, which is neutral and polar, at codon 232 of the DNAAF3 protein (p.Arg232Gln). This variant is not present in population databases (gnomAD no frequency). This variant has not been reported in the literature in individuals affected with DNAAF3-related conditions. ClinVar contains an entry for this variant (Variation ID: 1368082). Advanced modeling of protein sequence and biophysical properties (such as structural, functional, and spatial information, amino acid conservation, physicochemical variation, residue mobility, and thermodynamic stability) performed at Invitae indicates that this missense variant is expected to disrupt DNAAF3 protein function. In summary, the available evidence is currently insufficient to determine the role of this variant in disease. Therefore, it has been classified as a Variant of Uncertain Significance.

Ambry Genetics
Classification: Uncertain significance for Primary ciliary dyskinesia. Last evaluated: 2022-05-25. Review status: criteria provided, single submitter. Criteria: Ambry Variant Classification Scheme 2023. Collection method: clinical testing. Allele origin: germline.